The following is an entry in ClinVar:

NM_000057.4(BLM):c.569A>C (p.Lys190Thr)

Gene: BLM (BLM RecQ like helicase; plus strand). Cytogenetic location: 15q26.1.
Variant type: single nucleotide variant.
Coding change: c.569A>C on transcript NM_000057.4 (MANE Select); coding-DNA position 569, A replaced by C.
Protein change: p.Lys190Thr; replaces lysine 190 with threonine.
Molecular consequence: missense variant. On other transcripts: 5 prime UTR variant (1).
Genome position (GRCh38, 1-based): chr15:90,749,837, A>C. VCF-style: chr15-90749837-A-C. GRCh37 (hg19) VCF-style: chr15-91293067-A-C.
Other names: c.569A>C, p.Lys190Thr (NM_001287246.2, NM_001287247.2); c.-723A>C (NM_001287248.2); short protein forms K190T.
Identifiers: ClinVar variation 2561117 (VCV002561117.2), dbSNP rs2505393385, ClinGen allele CA393841071.

ClinVar aggregate classification (germline): Uncertain significance (1 of 4 stars; one submission).

Conditions:
Hereditary cancer-predisposing syndrome. Also called: Neoplastic Syndromes, Hereditary; Hereditary Cancer Syndrome; Hereditary neoplastic syndrome; Tumor predisposition. Identifiers: Orphanet 140162, MedGen C0027672, MeSH D009386, MONDO:0015356.

Allele frequency attached by ClinVar (database versions not stated): gnomAD exomes below 0.00001.
gnomAD v4.1: 1 of 1,593,570 alleles (0.000063%); highest among the groups gnomAD compares: Non-Finnish European, 0.000085%; no homozygotes.

Submission:

Ambry Genetics
Classification: Uncertain significance for Hereditary cancer-predisposing syndrome. Last evaluated: 2023-05-30. Review status: criteria provided, single submitter. Criteria: Ambry Variant Classification Scheme 2023. Collection method: clinical testing. Allele origin: germline.
Comment: The p.K190T variant (also known as c.569A>C), located in coding exon 2 of the BLM gene, results from an A to C substitution at nucleotide position 569. The lysine at codon 190 is replaced by threonine, an amino acid with similar properties. This amino acid position is conserved. In addition, the in silico prediction for this alteration is inconclusive. Since supporting evidence is limited at this time, the clinical significance of this alteration remains unclear.